The following is an entry in ClinVar:

NM_001267550.2(TTN):c.27328+5G>A

Gene: TTN (titin; minus strand). Cytogenetic location: 2q31.2.
Variant type: single nucleotide variant.
Coding change: c.27328+5G>A on transcript NM_001267550.2 (MANE Select); 5 bases into the intron after coding-DNA position 27328, G replaced by A.
Molecular consequence: intron variant.
Genome position (GRCh38, 1-based): chr2:178,712,692, C>T on the plus strand (G>A on the coding strand, the complement: TTN is on the minus strand). VCF-style: chr2-178712692-C-T. GRCh37 (hg19) VCF-style: chr2-179577419-C-T.
Other names: c.27328+5G>A (LRG_391t1); c.13282+25390G>A (NM_003319.4); c.13858+25390G>A (NM_133437.4); c.13657+25390G>A (NM_133432.3); c.23596+5G>A (NM_133378.4); c.26377+5G>A (NM_001256850.1).
Identifiers: ClinVar variation 46793 (VCV000046793.29), dbSNP rs397517521, ClinGen allele CA139202.

ClinVar aggregate classification (germline): Conflicting classifications of pathogenicity. Review status: criteria provided, conflicting classifications (1 of 4 stars). 12 submissions from 8 submitters: Uncertain significance (6); Benign (2); Likely benign (3). 1 of the submissions does not count toward it. Last evaluated 2026-08-01.

Conditions:
TTN-related disorder. Also called: TTN-related disorders; TTN-related condition; TTN-related disease.
Autosomal recessive limb-girdle muscular dystrophy type 2J (LGMDR10). Also called: MUSCULAR DYSTROPHY, LIMB-GIRDLE, AUTOSOMAL RECESSIVE 10; Limb-girdle muscular dystrophy, type 2J. Identifiers: Orphanet 140922, MedGen C1837342, MONDO:0012127, OMIM 608807.
Dilated cardiomyopathy 1G (CMD1G). Identifiers: Orphanet 154, MedGen C1858763, MONDO:0011400, OMIM 604145.
Early-onset myopathy with fatal cardiomyopathy (CMYO5). Also called: CONGENITAL MYOPATHY 5 WITH CARDIOMYOPATHY; Salih Myopathy. Identifiers: Orphanet 289377, MedGen C2673677, MONDO:0012714, OMIM 611705. Disease mechanism: loss of function.
Myopathy, myofibrillar, 9, with early respiratory failure (MFM9). Also called: Myopathy, distal, with early respiratory failure, autosomal dominant; Hereditary myopathy with early respiratory failure; EDSTROM MYOPATHY; MYOPATHY, PROXIMAL, WITH EARLY RESPIRATORY MUSCLE INVOLVEMENT. Identifiers: Orphanet 178464, Orphanet 34521, MedGen C1863599, MONDO:0011362, OMIM 603689.
Tibial muscular dystrophy (TMD). Also called: Tibial muscular dystrophy, tardive; Udd Distal Myopathy – Tibial Muscular Dystrophy; UDD MYOPATHY. Identifiers: Orphanet 609, MedGen C1838244, MONDO:0010870, OMIM 600334.
Primary dilated cardiomyopathy (DCM). Also called: Dilated Cardiomyopathy. Identifiers: Orphanet 217604, MedGen C0007193, MeSH D002311, MONDO:0005021, HP:0001644. Inheritance: Various modes of inheritance.

Allele frequency attached by ClinVar (database versions not stated): TOPMed 0.00004; ExAC 0.00046; gnomAD 0.00001 and 0.00011; 1000 Genomes Project 0.00080; 1000 Genomes Project 30x 0.00094; gnomAD exomes 0.00038 and 0.00019.
gnomAD v4.1: 286 of 1,610,632 alleles (0.018%); highest among the groups gnomAD compares: South Asian, 0.29%; 2 homozygotes.

Submissions (12):

CeGaT Center for Human Genetics Tuebingen
Classification: Likely benign. Last evaluated: 2026-08-01. Review status: criteria provided, single submitter. Criteria: CeGaT Center For Human Genetics Tuebingen Variant Classification Criteria Version 2. Collection method: clinical testing. Allele origin: germline. Affected: yes. Observed: 1 variant allele.
Comment: TTN: BS2

Labcorp Genetics (formerly Invitae), Labcorp
Classification: Likely benign for Dilated cardiomyopathy 1G; Autosomal recessive limb-girdle muscular dystrophy type 2J. Last evaluated: 2025-12-31. Review status: criteria provided, single submitter. Criteria: Invitae Variant Classification Sherloc (09022015). Collection method: clinical testing. Allele origin: germline.

GeneDx
Classification: Likely benign. Last evaluated: 2019-11-12. Review status: criteria provided, single submitter. Criteria: GeneDx Variant Classification Process June 2021. Collection method: clinical testing. Allele origin: germline. Affected: yes.
Comment: In silico analysis, which includes splice predictors and evolutionary conservation, supports a deleterious effect; This variant is associated with the following publications: (PMID: 25589632)

Illumina Laboratory Services, Illumina
Classification: Benign for Tibial muscular dystrophy. Last evaluated: 2018-01-12. Review status: criteria provided, single submitter. Criteria: ICSL Variant Classification Criteria 13 December 2019. Collection method: clinical testing. Allele origin: germline.
Comment: This variant was observed in the ICSL laboratory as part of a predisposition screen in an ostensibly healthy population. It had not been previously curated by ICSL or reported in the Human Gene Mutation Database (HGMD: prior to June 1st, 2018), and was therefore a candidate for classification through an automated scoring system. Utilizing variant allele frequency, disease prevalence and penetrance estimates, and inheritance mode, an automated score was calculated to assess if this variant is too frequent to cause the disease. Based on the score and internal cut-off values, a variant classified as benign is not then subjected to further curation. The score for this variant resulted in a classification of benign for this disease.

Illumina Laboratory Services, Illumina
Classification: Uncertain significance for Early-onset myopathy with fatal cardiomyopathy. Last evaluated: 2018-01-12. Review status: criteria provided, single submitter. Criteria: ICSL Variant Classification Criteria 13 December 2019. Collection method: clinical testing. Allele origin: germline.

Illumina Laboratory Services, Illumina
Classification: Uncertain significance for Autosomal recessive limb-girdle muscular dystrophy type 2J. Last evaluated: 2018-01-12. Review status: criteria provided, single submitter. Criteria: ICSL Variant Classification Criteria 13 December 2019. Collection method: clinical testing. Allele origin: germline.

Illumina Laboratory Services, Illumina
Classification: Benign for Myopathy, myofibrillar, 9, with early respiratory failure. Last evaluated: 2018-01-12. Review status: criteria provided, single submitter. Criteria: ICSL Variant Classification Criteria 13 December 2019. Collection method: clinical testing. Allele origin: germline.
Comment: the same text as in the submission from Illumina Laboratory Services, Illumina above.

Illumina Laboratory Services, Illumina
Classification: Uncertain significance for Dilated cardiomyopathy 1G. Last evaluated: 2018-01-12. Review status: criteria provided, single submitter. Criteria: ICSL Variant Classification Criteria 13 December 2019. Collection method: clinical testing. Allele origin: germline.

Eurofins Ntd Llc (ga)
Classification: Uncertain significance. Last evaluated: 2017-05-04. Review status: criteria provided, single submitter. Criteria: EGL Classification Definitions 2015. Collection method: clinical testing. Allele origin: germline. Observed: 2 variant alleles, 2 heterozygotes.

Cardiovascular Biomedical Research Unit, Royal Brompton & Harefield NHS Foundation Trust
Classification: Uncertain significance for Primary dilated cardiomyopathy. Last evaluated: 2014-10-08. Review status: criteria provided, single submitter. Criteria: Roberts et al. 2015. Collection method: research. Allele origin: germline. Inheritance: Autosomal dominant inheritance. Affected: no. Observed: 1 variant allele. Study: JHS cohort.
Comment: In the seven cohorts assessed, TTNtv were found in 14% of ambulant DCM, 22% end-stage or familial DCM, and 2% controls. Heterozygous nonsense, frameshift and canonical splice-disrupting variants found in constitutive and other highly utilised exons are highly likely to be pathogenic when identified in individuals with phenotypically confirmed DCM. TTNtv found incidentally in healthy individuals (excluding familial assessment of DCM relatives) are thought to have low penetrance, particularly when identified in exons that are not constitutively expressed in the heart.

Laboratory for Molecular Medicine, Mass General Brigham Personalized Medicine
Classification: Uncertain significance. Last evaluated: 2014-07-16. Review status: criteria provided, single submitter. Criteria: LMM Criteria. Collection method: clinical testing. Allele origin: germline. Observed: 2 variant alleles.
Comment: It was absent from large European American and African American populations. This variant is located in the 5' splice region. Computational tool s suggest a possible impact to splicing. However, this information is not predic tive enough to determine pathogenicity. In summary, the clinical significance of the 23596+5G>A variant is uncertain.

PreventionGenetics, part of Exact Sciences
Classification: Likely benign for TTN-related condition. Last evaluated: 2020-08-31. Review status: no assertion criteria provided. Collection method: clinical testing. Allele origin: germline. Not counted in ClinVar's aggregate classification.
Comment: This variant is classified as likely benign based on ACMG/AMP sequence variant interpretation guidelines (Richards et al. 2015 PMID: 25741868, with internal and published modifications).